The following is an entry in ClinVar:

NM_000260.4(MYO7A):c.2056C>T (p.Arg686Cys)

Gene: MYO7A (myosin VIIA; plus strand). Cytogenetic location: 11q13.5.
Variant type: single nucleotide variant.
Coding change: c.2056C>T on transcript NM_000260.4 (MANE Select); coding-DNA position 2056, C replaced by T.
Protein change: p.Arg686Cys; replaces arginine 686 with cysteine.
Molecular consequence: missense variant.
Genome position (GRCh38, 1-based): chr11:77,174,876, C>T. VCF-style: chr11-77174876-C-T. GRCh37 (hg19) VCF-style: chr11-76885922-C-T.
Other names: c.2056C>T, p.Arg686Cys (NM_001127180.2); c.2023C>T, p.Arg675Cys (NM_001369365.1); short protein forms R675C, R686C.
Identifiers: ClinVar variation 806717 (VCV000806717.52), dbSNP rs782364394, ClinGen allele CA6197676.

ClinVar aggregate classification (germline): Uncertain significance. Review status: criteria provided, multiple submitters, no conflicts (2 of 4 stars). 6 submissions from 6 submitters: Uncertain significance (5). 1 of the submissions does not count toward it. Last evaluated 2025-04-22.

Conditions:
Usher syndrome type 1B (USH1B). Also called: Usher syndrome type IB. Identifiers: MedGen C1848638, MONDO:0700087.
MYO7A-related disorder. Also called: MYO7A-related disorders.

Allele frequency attached by ClinVar (database versions not stated): gnomAD 0.00003; gnomAD exomes 0.00003 and 0.00004; ExAC 0.00004; TOPMed 0.00004.
gnomAD v4.1: 53 of 1,613,556 alleles (0.0033%); highest among the groups gnomAD compares: Non-Finnish European, 0.0039%; no homozygotes.

Submissions (6):

PreventionGenetics, part of Exact Sciences
Classification: Uncertain significance for MYO7A-related condition. Last evaluated: 2025-04-22. Review status: criteria provided, single submitter. Criteria: ACMG Guidelines, 2015. Collection method: clinical testing. Allele origin: germline.
Comment: The MYO7A c.2056C>T variant is predicted to result in the amino acid substitution p.Arg686Cys. To our knowledge, this variant has not been reported in the literature. This variant is reported in 0.0071% of alleles in individuals of European (Non-Finnish) descent in gnomAD. At this time, the clinical significance of this variant is uncertain due to the absence of conclusive functional and genetic evidence.

Blueprint Genetics
Classification: Uncertain significance. Last evaluated: 2024-11-12. Review status: criteria provided, single submitter. Criteria: ACMG Guidelines, 2015. Collection method: clinical testing. Allele origin: germline.

GeneDx
Classification: Uncertain significance. Last evaluated: 2024-07-25. Review status: criteria provided, single submitter. Criteria: GeneDx Variant Classification Process June 2021. Collection method: clinical testing. Allele origin: germline. Affected: yes.
Comment: In silico analysis supports that this missense variant has a deleterious effect on protein structure/function; Has not been previously published as pathogenic or benign to our knowledge

Labcorp Genetics (formerly Invitae), Labcorp
Classification: Uncertain significance. Last evaluated: 2024-01-19. Review status: criteria provided, single submitter. Criteria: Invitae Variant Classification Sherloc (09022015). Collection method: clinical testing. Allele origin: germline.
Comment: This sequence change replaces arginine, which is basic and polar, with cysteine, which is neutral and slightly polar, at codon 686 of the MYO7A protein (p.Arg686Cys). This variant is present in population databases (rs782364394, gnomAD 0.007%). This variant has not been reported in the literature in individuals affected with MYO7A-related conditions. ClinVar contains an entry for this variant (Variation ID: 806717). Advanced modeling of protein sequence and biophysical properties (such as structural, functional, and spatial information, amino acid conservation, physicochemical variation, residue mobility, and thermodynamic stability) has been performed at Invitae for this missense variant, however the output from this modeling did not meet the statistical confidence thresholds required to predict the impact of this variant on MYO7A protein function. In summary, the available evidence is currently insufficient to determine the role of this variant in disease. Therefore, it has been classified as a Variant of Uncertain Significance.

CeGaT Center for Human Genetics Tuebingen
Classification: Uncertain significance. Last evaluated: 2019-03-01. Review status: criteria provided, single submitter. Criteria: CeGaT Center For Human Genetics Tuebingen Variant Classification Criteria Version 2. Collection method: clinical testing. Allele origin: germline. Affected: yes. Observed: 2 variant alleles.

Natera, Inc.
Classification: Uncertain significance for Usher syndrome type 1B. Last evaluated: 2020-09-16. Review status: no assertion criteria provided. Collection method: clinical testing. Allele origin: germline. Not counted in ClinVar's aggregate classification.